The following is an entry in ClinVar:

NM_001276345.2(TNNT2):c.287A>C (p.Asp96Ala)

Gene: TNNT2 (troponin T2, cardiac type; minus strand). Cytogenetic location: 1q32.1.
Variant type: single nucleotide variant.
Coding change: c.287A>C on transcript NM_001276345.2 (MANE Select); coding-DNA position 287, A replaced by C.
Protein change: p.Asp96Ala; replaces aspartic acid 96 with alanine.
Molecular consequence: missense variant.
Genome position (GRCh38, 1-based): chr1:201,365,617, T>G on the plus strand (A>C on the coding strand, the complement: TNNT2 is on the minus strand). VCF-style: chr1-201365617-T-G. GRCh37 (hg19) VCF-style: chr1-201334745-T-G.
Other names: c.287A>C, p.Asp96Ala (NM_000364.4); c.257A>C, p.Asp86Ala (NM_001001430.3, NM_001001431.3, NM_001276347.2); c.242A>C, p.Asp81Ala (NM_001001432.3); c.284A>C, p.Asp95Ala (NM_001276346.2); short protein forms D86A, D96A, D81A, D95A.
Identifiers: ClinVar variation 43626 (VCV000043626.29), dbSNP rs397516455, ClinGen allele CA004228.
Genomic context (GRCh38, chr1:201,365,617, plus strand): 5'-GCCCTTGGGACTATCCCCAGCCCAGGCCTACTCAACCCACAGCCACCGCTTACATCAAAG[T>G]CCACTCTCTCTCCATCGGGGATCTTGGGAGGCACCAAGTTGGGCATGAACGACCTGTTGG-3'
Protein context (NP_001263274.1, residues 86-106): PPKIPDGERV[Asp96Ala]FDDIHRKRME

ClinVar aggregate classification (germline): Pathogenic/Likely pathogenic. Review status: criteria provided, multiple submitters, no conflicts (2 of 4 stars). 8 submissions from 6 submitters: Pathogenic (1); Likely pathogenic (7). Last evaluated 2026-08-06.

Conditions:
Cardiovascular phenotype. Identifiers: MedGen CN230736.
Cardiomyopathy, familial restrictive, 3. Identifiers: Orphanet 75249, MedGen C2676271, MONDO:0012900, OMIM 612422.
Dilated cardiomyopathy 1D. Identifiers: Orphanet 154, Orphanet 54260, MedGen C1832243, MONDO:0011095, OMIM 601494.
Hypertrophic cardiomyopathy 2. Also called: TNNT2-Related Familial Hypertrophic Cardiomyopathy. Identifiers: MedGen C1861864, MONDO:0007266, OMIM 115195.
Hypertrophic cardiomyopathy. Also called: HYPERTROPHIC MYOCARDIOPATHY. Identifiers: Orphanet 217569, MedGen C0007194, MeSH D002312, MONDO:0005045, HP:0001639.

Allele frequency attached by ClinVar (database versions not stated): gnomAD exomes below 0.00001; ExAC 0.00001; TOPMed below 0.00001; gnomAD 0.00001.
gnomAD v4.1: 2 of 1,613,814 alleles (0.00012%); highest among the groups gnomAD compares: Non-Finnish European, 0.00017%; no homozygotes.

Submissions (8):

GeneDx
Classification: Likely pathogenic. Last evaluated: 2026-08-06. Review status: criteria provided, single submitter. Criteria: GeneDx Variant Classification Process June 2021. Collection method: clinical testing. Allele origin: germline.
Comment: Not observed at significant frequency in large population cohorts (gnomAD); In silico analysis supports that this missense variant has a deleterious effect on protein structure/function; This variant is associated with the following publications: (PMID: 15631686, 26914223, 28973951, 25031304, 15201162, 12860912, 20159828, 27532257, 29121657, 21310275, 34699384, 35514357, 36712934, 25524337, 37652022, 24793961, Xin2025[casereport])

Labcorp Genetics (formerly Invitae), Labcorp
Classification: Pathogenic for Cardiomyopathy, familial restrictive, 3; Hypertrophic cardiomyopathy 2; Dilated cardiomyopathy 1D. Last evaluated: 2025-12-10. Review status: criteria provided, single submitter. Criteria: Invitae Variant Classification Sherloc (09022015). Collection method: clinical testing. Allele origin: germline.
Comment: This sequence change replaces aspartic acid, which is acidic and polar, with alanine, which is neutral and non-polar, at codon 86 of the TNNT2 protein (p.Asp86Ala). This variant is present in population databases (rs397516455, gnomAD 0.0009%). This missense change has been observed in individuals with hypertrophic cardiomyopathy (PMID: 12860912, 20159828, 25031304, 26914223, 27532257, 37652022). ClinVar contains an entry for this variant (Variation ID: 43626). Invitae Evidence Modeling of protein sequence and biophysical properties (such as structural, functional, and spatial information, amino acid conservation, physicochemical variation, residue mobility, and thermodynamic stability) has been performed for this missense variant. However, the output from this modeling did not meet the statistical confidence thresholds required to predict the impact of this variant on TNNT2 protein function. Experimental studies are conflicting or provide insufficient evidence to determine the effect of this variant on TNNT2 function (PMID: 28973951). This variant disrupts the p.Asp86 amino acid residue in TNNT2. Other variant(s) that disrupt this residue have been observed in individuals with TNNT2-related conditions (internal data), which suggests that this may be a clinically significant amino acid residue. For these reasons, this variant has been classified as Pathogenic.

Ambry Genetics
Classification: Likely pathogenic for Cardiovascular phenotype. Last evaluated: 2025-07-28. Review status: criteria provided, single submitter. Criteria: Ambry Variant Classification Scheme 2023. Collection method: clinical testing. Allele origin: germline.
Comment: The p.D86A variant (also known as c.257A>C), located in coding exon 7 of the TNNT2 gene, results from an A to C substitution at nucleotide position 257. The aspartic acid at codon 86 is replaced by alanine, an amino acid with dissimilar properties. This alteration has been detected in multiple individuals with hypertrophic cardiomyopathy and has been reported to segregate with disease in several small families (Van Driest SL et al. Circulation, 2003 Jul;108:445-51; Coppini R et al. J. Am. Coll. Cardiol., 2014 Dec;64:2589-2600; Viswanathan SK et al. PLoS ONE, 2017 Nov;12:e0187948; Walsh R et al. Genet. Med., 2017 Feb;19:192-203; Ambry internal data; external communication). Internal structural analysis indicates that this variant may impact the protein-protein interaction with tropomyosin (Ambry internal data). This amino acid position is highly conserved in available vertebrate species. In addition, this alteration is predicted to be deleterious by in silico analysis. This variant is considered to be rare based on population cohorts in the Genome Aggregation Database (gnomAD). Based on the majority of available evidence to date, this variant is likely to be pathogenic.

Genome-Nilou Lab
Classification: Likely pathogenic for Dilated cardiomyopathy 1D. Last evaluated: 2023-04-11. Review status: criteria provided, single submitter. Criteria: ACMG Guidelines, 2015. Collection method: clinical testing. Allele origin: germline. Affected: no.

Genome-Nilou Lab
Classification: Likely pathogenic for Cardiomyopathy, familial restrictive, 3. Last evaluated: 2023-04-11. Review status: criteria provided, single submitter. Criteria: ACMG Guidelines, 2015. Collection method: clinical testing. Allele origin: germline. Affected: no.

Genome-Nilou Lab
Classification: Likely pathogenic for Hypertrophic cardiomyopathy 2. Last evaluated: 2023-04-11. Review status: criteria provided, single submitter. Criteria: ACMG Guidelines, 2015. Collection method: clinical testing. Allele origin: germline. Affected: no.

Fulgent Genetics
Classification: Likely pathogenic for Hypertrophic cardiomyopathy 2; Dilated cardiomyopathy 1D; Cardiomyopathy, familial restrictive, 3. Last evaluated: 2021-09-16. Review status: criteria provided, single submitter. Criteria: ACMG Guidelines, 2015. Collection method: clinical testing. Allele origin: unknown.

Laboratory for Molecular Medicine, Mass General Brigham Personalized Medicine
Classification: Likely pathogenic for Hypertrophic cardiomyopathy. Last evaluated: 2014-11-14. Review status: criteria provided, single submitter. Criteria: LMM Criteria. Collection method: clinical testing. Allele origin: germline. Inheritance: Autosomal dominant inheritance. Observed: 5 variant alleles.
Comment: The p.Asp86Ala variant in TNNT2 has been previously reported in 1 adult with HCM (Van Driest 2003) and was identified by our laboratory in 2 Caucasian adults wi th HCM and segregated with disease in 1 affected relative (LMM unpublished data) . Data from large population studies is insufficient to assess the frequency of this variant. Aspartic acid (Asp) at position 86 is highly conserved in mammals and across evolutionarily distant species and the change to alanine (Ala) was pr edicted to be pathogenic using a computational tool clinically validated by our laboratory. This tool's pathogenic prediction is estimated to be correct 94% of the time (Jordan 2011). In summary, although additional studies are required to fully establish its clinical significance, the p.Asp86Ala variant is likely path ogenic.

Literature cited by the submitters: PubMed 12860912 (cited by 3 submitters); PubMed 20159828 (cited by Labcorp Genetics (formerly Invitae), Labcorp and Ambry Genetics); PubMed 25031304 (cited by Labcorp Genetics (formerly Invitae), Labcorp); PubMed 26914223 (cited by Labcorp Genetics (formerly Invitae), Labcorp and Ambry Genetics); PubMed 27532257 (cited by Labcorp Genetics (formerly Invitae), Labcorp and Ambry Genetics); PubMed 37652022 (cited by Labcorp Genetics (formerly Invitae), Labcorp); PubMed 28973951 (cited by Labcorp Genetics (formerly Invitae), Labcorp and Ambry Genetics); PubMed 24793961 (cited by Ambry Genetics); PubMed 25524337 (cited by Ambry Genetics); PubMed 29121657 (cited by Ambry Genetics).